The following is an entry in ClinVar:

NM_177438.3(DICER1):c.1861G>T (p.Gly621Cys)

Gene: DICER1 (dicer 1, ribonuclease III; minus strand). Cytogenetic location: 14q32.13.
Variant type: single nucleotide variant.
Coding change: c.1861G>T on transcript NM_177438.3 (MANE Select); coding-DNA position 1861, G replaced by T.
Protein change: p.Gly621Cys; replaces glycine 621 with cysteine.
Molecular consequence: missense variant.
Genome position (GRCh38, 1-based): chr14:95,115,713, C>A on the plus strand (G>T on the coding strand, the complement: DICER1 is on the minus strand). VCF-style: chr14-95115713-C-A. GRCh37 (hg19) VCF-style: chr14-95582050-C-A.
Other names: c.1861G>T, p.Gly621Cys (NM_001195573.1, NM_001271282.3, NM_001291628.2 and 1 more transcripts); short protein forms G621C.
Identifiers: ClinVar variation 1019729 (VCV001019729.12), dbSNP rs1892380225, ClinGen allele CA390883968.

ClinVar aggregate classification (germline): Uncertain significance. Review status: criteria provided, multiple submitters, no conflicts (2 of 4 stars). 2 submissions from 2 submitters: Uncertain significance (2). Last evaluated 2022-04-07.

Conditions:
Hereditary cancer-predisposing syndrome. Also called: Hereditary neoplastic syndrome; Neoplastic Syndromes, Hereditary; Tumor predisposition; Hereditary Cancer Syndrome. Identifiers: Orphanet 140162, MedGen C0027672, MeSH D009386, MONDO:0015356.
DICER1-related tumor predisposition. Also called: DICER1 syndrome; DICER1-related pleuropulmonary blastoma cancer predisposition syndrome. Identifiers: Orphanet 284343, MedGen C3839822, MONDO:0100216.

Allele frequency attached by ClinVar (database versions not stated): gnomAD exomes below 0.00001.
gnomAD v4.1: 1 of 1,614,146 alleles (0.000062%); highest among the groups gnomAD compares: Non-Finnish European, 0.000085%; no homozygotes.

Submissions (2):

Ambry Genetics
Classification: Uncertain significance for Hereditary cancer-predisposing syndrome. Last evaluated: 2022-04-07. Review status: criteria provided, single submitter. Criteria: Ambry Variant Classification Scheme 2023. Collection method: clinical testing. Allele origin: germline.
Comment: The p.G621C variant (also known as c.1861G>T), located in coding exon 10 of the DICER1 gene, results from a G to T substitution at nucleotide position 1861. The glycine at codon 621 is replaced by cysteine, an amino acid with highly dissimilar properties. This amino acid position is conserved. In addition, this alteration is predicted to be tolerated by in silico analysis. Since supporting evidence is limited at this time, the clinical significance of this alteration remains unclear.

Labcorp Genetics (formerly Invitae), Labcorp
Classification: Uncertain significance for DICER1-related tumor predisposition. Last evaluated: 2021-01-28. Review status: criteria provided, single submitter. Criteria: Invitae Variant Classification Sherloc (09022015). Collection method: clinical testing. Allele origin: germline.
Comment: This sequence change replaces glycine with cysteine at codon 621 of the DICER1 protein (p.Gly621Cys). The glycine residue is moderately conserved and there is a large physicochemical difference between glycine and cysteine. This variant is not present in population databases (ExAC no frequency). This variant has not been reported in the literature in individuals with DICER1-related conditions. Algorithms developed to predict the effect of missense changes on protein structure and function are either unavailable or do not agree on the potential impact of this missense change (SIFT: "Deleterious"; PolyPhen-2: "Possibly Damaging"; Align-GVGD: "Class C15"). In summary, the available evidence is currently insufficient to determine the role of this variant in disease. Therefore, it has been classified as a Variant of Uncertain Significance.